The following is an entry in ClinVar:

ClinVar aggregate classification (germline): Likely benign (1 of 4 stars; one submission).

Submission:

CeGaT Center for Human Genetics Tuebingen
Classification: Likely benign. Last evaluated: 2024-07-01. Review status: criteria provided, single submitter. Criteria: CeGaT Center For Human Genetics Tuebingen Variant Classification Criteria Version 2. Collection method: clinical testing. Allele origin: germline. Affected: yes. Observed: 1 variant allele.
Comment: FCGBP: BP4, BP7

NM_003890.3(FCGBP):c.6690C>T (p.Ala2230=)

Gene: FCGBP (Fc gamma binding protein; minus strand). Cytogenetic location: 19q13.2.
Variant type: single nucleotide variant.
Coding change: c.6690C>T on transcript NM_003890.3 (MANE Select); coding-DNA position 6690, C replaced by T.
Protein change: p.Ala2230=; no amino-acid change (alanine 2230 retained).
Molecular consequence: synonymous variant.
Identifiers: ClinVar variation 3257168 (VCV003257168.13).